The following is an entry in ClinVar:

ClinVar aggregate classification (germline): Uncertain significance. Review status: criteria provided, multiple submitters, no conflicts (2 of 4 stars). 3 submissions from 3 submitters: Uncertain significance (3). Last evaluated 2024-06-02.

Conditions:
Cortical dysplasia, complex, with other brain malformations 13. Also called: Intellectual disability, autosomal dominant 13. Identifiers: MedGen C3281202, MONDO:0013805, OMIM 614563.
Inborn genetic diseases. Identifiers: MedGen C0950123, MeSH D030342.

Submissions (3):

GeneDx
Classification: Uncertain significance. Last evaluated: 2024-06-02. Review status: criteria provided, single submitter. Criteria: GeneDx Variant Classification Process June 2021. Collection method: clinical testing. Allele origin: germline. Affected: yes.
Comment: Not observed at significant frequency in large population cohorts (gnomAD); In silico analysis supports that this missense variant has a deleterious effect on protein structure/function; Has not been previously published as pathogenic or benign to our knowledge; In silico analysis suggests this variant may impact gene splicing. In the absence of RNA/functional studies, the actual effect of this sequence change is unknown.; This variant is associated with the following publications: (PMID: 25512093, 25609763, 26100331)

New York Genome Center
Classification: Uncertain significance for Cortical dysplasia, complex, with other brain malformations 13. Last evaluated: 2019-07-17. Review status: criteria provided, single submitter. Criteria: NYGC Assertion Criteria 2020. Collection method: clinical testing. Allele origin: germline. Observed: 1 heterozygote. Study: CSER-NYCKidSeq.

Ambry Genetics
Classification: Uncertain significance for Inborn genetic diseases. Last evaluated: 2017-07-11. Review status: criteria provided, single submitter. Criteria: Ambry Variant Classification Scheme 2023. Collection method: clinical testing. Allele origin: germline.
Comment: The p.E190K variant (also known as c.568G>A), located in coding exon 4 of the DYNC1H1 gene, results from a G to A substitution at nucleotide position 568. The glutamic acid at codon 190 is replaced by lysine, an amino acid with similar properties. This variant has been determined to be the result of a de novo mutation or germline mosaicism in one family with an isolated case of DYNC1H1-related neurological disorder. This amino acid position is highly conserved in available vertebrate species. In addition, the in silico prediction for this alteration is inconclusive. Since supporting evidence is limited at this time, the clinical significance of this alteration remains unclear.

NM_001376.5(DYNC1H1):c.568G>A (p.Glu190Lys)

Gene: DYNC1H1 (dynein cytoplasmic 1 heavy chain 1; plus strand). Cytogenetic location: 14q32.31.
Variant type: single nucleotide variant.
Coding change: c.568G>A on transcript NM_001376.5 (MANE Select); coding-DNA position 568, G replaced by A.
Protein change: p.Glu190Lys; replaces glutamic acid 190 with lysine.
Molecular consequence: missense variant.
Genome position (GRCh38, 1-based): chr14:101,979,768, G>A. VCF-style: chr14-101979768-G-A. GRCh37 (hg19) VCF-style: chr14-102446105-G-A.
Other names: short protein forms E190K.
Identifiers: ClinVar variation 589896 (VCV000589896.8), dbSNP rs1566996419, ClinGen allele CA391008193.